The following is an entry in ClinVar:

ClinVar aggregate classification (germline): Uncertain significance. Review status: criteria provided, multiple submitters, no conflicts (2 of 4 stars). 2 submissions from 2 submitters: Uncertain significance (2). Last evaluated 2026-08-25.

Conditions:
Cognitive impairment - coarse facies - heart defects - obesity - pulmonary involvement - short stature - skeletal dysplasia syndrome. Also called: COGNITIVE IMPAIRMENT, COARSE FACIES, HEART DEFECTS, OBESITY, PULMONARY INVOLVEMENT, SHORT STATURE, AND SKELETAL DYSPLASIA; AFF4-Related CHOPS Syndrome; Chops syndrome. Identifiers: Orphanet 444077, MedGen C4085597, MONDO:0014609, OMIM 616368.
AFF4-related disorder. Also called: AFF4-related condition.

Allele frequency attached by ClinVar (database versions not stated): gnomAD exomes 0.00001; ExAC 0.00002; gnomAD 0.00003; TOPMed 0.00004.
gnomAD v4.1: 20 of 1,614,020 alleles (0.0012%); highest among the groups gnomAD compares: Non-Finnish European, 0.00042%; no homozygotes.

Submissions (2):

PreventionGenetics, part of Exact Sciences
Classification: Uncertain significance for AFF4-related condition. Last evaluated: 2026-08-25. Review status: criteria provided, single submitter. Criteria: ACMG Guidelines, 2015. Collection method: clinical testing. Allele origin: germline.
Comment: The AFF4 c.746T>C variant is predicted to result in the amino acid substitution p.Met249Thr. To our knowledge, this variant has not been reported in the literature. This variant is reported in 0.048% of alleles in individuals of Ashkenazi Jewish descent in gnomAD. Although we suspect that this variant may be benign, at this time, the clinical significance of this variant is uncertain due to the absence of conclusive functional and genetic evidence.

Labcorp Genetics (formerly Invitae), Labcorp
Classification: Uncertain significance for Cognitive impairment - coarse facies - heart defects - obesity - pulmonary involvement - short stature - skeletal dysplasia syndrome. Last evaluated: 2022-09-10. Review status: criteria provided, single submitter. Criteria: Invitae Variant Classification Sherloc (09022015). Collection method: clinical testing. Allele origin: germline.
Comment: In summary, the available evidence is currently insufficient to determine the role of this variant in disease. Therefore, it has been classified as a Variant of Uncertain Significance. Algorithms developed to predict the effect of sequence changes on RNA splicing suggest that this variant may disrupt the consensus splice site. Advanced modeling of protein sequence and biophysical properties (such as structural, functional, and spatial information, amino acid conservation, physicochemical variation, residue mobility, and thermodynamic stability) has been performed at Invitae for this missense variant, however the output from this modeling did not meet the statistical confidence thresholds required to predict the impact of this variant on AFF4 protein function. This variant has not been reported in the literature in individuals affected with AFF4-related conditions. This variant is present in population databases (rs748129871, gnomAD 0.07%). This sequence change replaces methionine, which is neutral and non-polar, with threonine, which is neutral and polar, at codon 249 of the AFF4 protein (p.Met249Thr).

NM_014423.4(AFF4):c.746T>C (p.Met249Thr)

Gene: AFF4 (ALF transcription elongation factor 4; minus strand). Cytogenetic location: 5q31.1.
Variant type: single nucleotide variant.
Coding change: c.746T>C on transcript NM_014423.4 (MANE Select); coding-DNA position 746, T replaced by C.
Protein change: p.Met249Thr; replaces methionine 249 with threonine.
Molecular consequence: missense variant.
Genome position (GRCh38, 1-based): chr5:132,934,319, A>G on the plus strand (T>C on the coding strand, the complement: AFF4 is on the minus strand). VCF-style: chr5-132934319-A-G. GRCh37 (hg19) VCF-style: chr5-132270011-A-G.
Other names: c.746T>C (NM_014423.3); short protein forms M249T.
Identifiers: ClinVar variation 2140541 (VCV002140541.5), dbSNP rs748129871, ClinGen allele CA3409378.